The following is an entry in ClinVar:

NC_000022.11:g.(?_28687743)_(28741834_?)del

Genes: CHEK2 (checkpoint kinase 2; minus strand), LOC130067165 (ATAC-STARR-seq lymphoblastoid active region 18804; plus strand). Cytogenetic location: 22q12.1.
Variant type: Deletion.
Identifiers: ClinVar variation 417812 (VCV000417812.2).

ClinVar aggregate classification (germline): Pathogenic (1 of 4 stars; one submission).

Conditions:
Familial cancer of breast. Also called: Hereditary breast cancer; BREAST CANCER, FAMILIAL; hereditary breast carcinoma. Identifiers: Orphanet 227535, MedGen C0346153, MONDO:0016419, OMIM 114480. Disease mechanism: loss of function.

Submission:

Labcorp Genetics (formerly Invitae), Labcorp
Classification: Pathogenic for Familial cancer of breast. Last evaluated: 2016-07-01. Review status: criteria provided, single submitter. Criteria: Invitae Variant Classification Sherloc (09022015). Collection method: clinical testing. Allele origin: germline.
Comment: A gross deletion of the genomic region encompassing the full coding sequence of the CHEK2 gene has been identified. The boundaries of this event are unknown as the deletion extends beyond the assayed region for this gene and therefore may encompass additional genes. While this particular variant has not been reported in the literature, truncating variants in CHEK2 are known to be pathogenic (PMID: 21876083, 24713400). For these reasons, this variant has been classified as Pathogenic.